The following is an entry in ClinVar:

NM_001042492.3(NF1):c.730+2T>G

Gene: NF1 (neurofibromin 1; plus strand). Cytogenetic location: 17q11.2.
Variant type: single nucleotide variant.
Coding change: c.730+2T>G on transcript NM_001042492.3 (MANE Select); the canonical splice donor site of the intron after coding-DNA position 730, T replaced by G.
Molecular consequence: splice donor variant.
Genome position (GRCh38, 1-based): chr17:31,181,787, T>G. VCF-style: chr17-31181787-T-G. GRCh37 (hg19) VCF-style: chr17-29508805-T-G.
Other names: c.730+2T>G (NM_000267.4, NM_001128147.3).
Identifiers: ClinVar variation 41676 (VCV000041676.8), dbSNP rs200962248, ClinGen allele CA215750.
Genomic context (GRCh38, chr17:31,181,787, plus strand): 5'-AGAAAATTATCCAGATGAATTTACAAAACTGTACCAGATCCCACAGACTGATATGGCTGG[T>G]AAGGATACGATTGATTTTTTTTTTTTTTTTGTCTTTTAAATGCCTACTTGTGACATAAAA-3'

ClinVar aggregate classification (germline): Pathogenic. Review status: criteria provided, multiple submitters, no conflicts (2 of 4 stars). 4 submissions from 4 submitters: Pathogenic (2). 2 of the submissions do not count toward it. Last evaluated 2024-05-07.

Conditions:
Neurofibromatosis, type 1 (NF1). Also called: Peripheral type neurofibromatosis; Neurofibromatosis, type I; NEUROFIBROMATOSIS, TYPE I, SOMATIC; VON RECKLINGHAUSEN DISEASE. Identifiers: Orphanet 636, MedGen C0027831, MONDO:0018975, OMIM 162200. Disease mechanism: loss of function.

Allele frequency attached by ClinVar (database versions not stated): ExAC 0.01445; 1000 Genomes Project 0.00799.

Submissions (9):

Labcorp Genetics (formerly Invitae), Labcorp
Classification: Pathogenic for Neurofibromatosis, type 1. Last evaluated: 2024-05-07. Review status: criteria provided, single submitter. Criteria: Invitae Variant Classification Sherloc (09022015). Collection method: clinical testing. Allele origin: germline.
Comment: This sequence change affects a donor splice site in intron 7 of the NF1 gene. It is expected to disrupt RNA splicing. Variants that disrupt the donor or acceptor splice site typically lead to a loss of protein function (PMID: 16199547), and loss-of-function variants in NF1 are known to be pathogenic (PMID: 10712197, 23913538). The frequency data for this variant in the population databases is considered unreliable, as metrics indicate poor data quality at this position in the gnomAD database. Disruption of this splice site has been observed in individuals with NF1-related conditions (PMID: 21354044, 22190595). ClinVar contains an entry for this variant (Variation ID: 41676). Algorithms developed to predict the effect of sequence changes on RNA splicing suggest that this variant may disrupt the consensus splice site. For these reasons, this variant has been classified as Pathogenic.

GeneDx
Classification: Pathogenic. Last evaluated: 2021-05-03. Review status: criteria provided, single submitter. Criteria: GeneDx Variant Classification Process June 2021. Collection method: clinical testing. Allele origin: germline. Affected: yes.
Comment: Canonical splice site variant predicted to result in a null allele in a gene for which loss-of-function is a known mechanism of disease; Observed in an individual via exome sequencing for cancer-susceptibility syndromes in participants with atherosclerosis phenotypes (Johnston et al., 2012); Not observed in large population cohorts (Lek et al., 2016); This variant is associated with the following publications: (PMID: 22703879)

Biesecker Lab/Clinical Genomics Section, National Institutes of Health
Classification: Benign. Last evaluated: 2012-07-13. Review status: no assertion criteria provided. Collection method: research. Allele origin: germline. Affected: no. Observed: 78 variant alleles. Study: ClinSeq. Not counted in ClinVar's aggregate classification.
ClinVar note: Converted during submission from no known pathogenicity to Benign.

Dr. Peter K. Rogan Lab, Western University
No classification provided (evidence only). Condition: Familial cancer of breast. Review status: no classification provided. Collection method: in vitro. Allele origin: not applicable. Functional consequence: retained intron. Not counted in ClinVar's aggregate classification.

Dr. Peter K. Rogan Lab, Western University
No classification provided (evidence only). Condition: Familial cancer of breast. Review status: no classification provided. Collection method: in vitro. Allele origin: not applicable. Functional consequence: retained intron. Not counted in ClinVar's aggregate classification.

Dr. Peter K. Rogan Lab, Western University
No classification provided (evidence only). Condition: Acute myeloid leukemia. Review status: no classification provided. Collection method: in vitro. Allele origin: not applicable. Functional consequence: retained intron. Not counted in ClinVar's aggregate classification.

Dr. Peter K. Rogan Lab, Western University
No classification provided (evidence only). Condition: Acute myeloid leukemia. Review status: no classification provided. Collection method: in vitro. Allele origin: not applicable. Functional consequence: retained intron. Not counted in ClinVar's aggregate classification.

Dr. Peter K. Rogan Lab, Western University
No classification provided (evidence only). Condition: Nonpapillary renal cell carcinoma. Review status: no classification provided. Collection method: in vitro. Allele origin: not applicable. Functional consequence: retained intron. Not counted in ClinVar's aggregate classification.

Genomic Diagnostic Laboratory, Division of Genomic Diagnostics, Children's Hospital of Philadelphia
Classification: Benign. Last evaluated: 2015-06-18. Review status: flagged submission. Criteria: DGD Variant Analysis Guidelines. Collection method: clinical testing. Allele origin: unknown. Not counted in ClinVar's aggregate classification.
ClinVar note: Reason: Older and outlier claim with insufficient supporting evidence

Literature cited by the submitters: PubMed 16199547 (cited by Labcorp Genetics (formerly Invitae), Labcorp); PubMed 10712197 (cited by Labcorp Genetics (formerly Invitae), Labcorp); PubMed 23913538 (cited by Labcorp Genetics (formerly Invitae), Labcorp); PubMed 21354044 (cited by Labcorp Genetics (formerly Invitae), Labcorp); PubMed 22190595 (cited by Labcorp Genetics (formerly Invitae), Labcorp).